The following is an entry in ClinVar:

ClinVar aggregate classification (germline): Benign/Likely benign. Review status: criteria provided, multiple submitters, no conflicts (2 of 4 stars). 6 submissions from 6 submitters: Benign (1); Likely benign (5). Last evaluated 2026-02-03.

Conditions:
Dalmatian hypouricemia (RHUC1). Identifiers: MedGen C0473219, MONDO:0020728, OMIM 220150.
SLC22A12-related disorder. Also called: SLC22A12-related condition.

Allele frequency attached by ClinVar (database versions not stated): TOPMed 0.00036; ESP Exome Variant Server 0.00046; 1000 Genomes Project 30x 0.00109; ExAC 0.00123; 1000 Genomes Project 0.00140; gnomAD 0.00020 and 0.00031.

Submissions (6):

PreventionGenetics, part of Exact Sciences
Classification: Likely benign for SLC22A12-related condition. Last evaluated: 2026-02-03. Review status: criteria provided, single submitter. Criteria: ACMG Guidelines, 2015. Collection method: clinical testing. Allele origin: germline.
Comment: This variant is classified as likely benign based on ACMG/AMP sequence variant interpretation guidelines (Richards et al. 2015 PMID: 25741868, with internal and published modifications).

Labcorp Genetics (formerly Invitae), Labcorp
Classification: Benign. Last evaluated: 2026-01-29. Review status: criteria provided, single submitter. Criteria: Invitae Variant Classification Sherloc (09022015). Collection method: clinical testing. Allele origin: germline.

CeGaT Center for Human Genetics Tuebingen
Classification: Likely benign. Last evaluated: 2025-05-01. Review status: criteria provided, single submitter. Criteria: CeGaT Center For Human Genetics Tuebingen Variant Classification Criteria Version 2. Collection method: clinical testing. Allele origin: germline. Affected: yes. Observed: 1 variant allele.
Comment: SLC22A12: BP4, BP7

Blueprint Genetics
Classification: Likely benign. Last evaluated: 2024-11-18. Review status: criteria provided, single submitter. Criteria: ACMG Guidelines, 2015. Collection method: clinical testing. Allele origin: germline.

Fulgent Genetics
Classification: Likely benign for Dalmatian hypouricemia. Last evaluated: 2022-01-08. Review status: criteria provided, single submitter. Criteria: ACMG Guidelines, 2015. Collection method: clinical testing. Allele origin: unknown.

Illumina Laboratory Services, Illumina
Classification: Likely benign for Dalmatian hypouricemia. Last evaluated: 2018-01-12. Review status: criteria provided, single submitter. Criteria: ICSL Variant Classification Criteria 13 December 2019. Collection method: clinical testing. Allele origin: germline.
Comment: This variant was observed in the ICSL laboratory as part of a predisposition screen in an ostensibly healthy population. It had not been previously curated by ICSL or reported in the Human Gene Mutation Database (HGMD: prior to June 1st, 2018), and was therefore a candidate for classification through an automated scoring system. Utilizing variant allele frequency, disease prevalence and penetrance estimates, and inheritance mode, an automated score was calculated to assess if this variant is too frequent to cause the disease. Based on the score and internal cut-off values, a variant classified as likely benign is not then subjected to further curation. The score for this variant resulted in a classification of likely benign for this disease.

NM_144585.4(SLC22A12):c.123G>A (p.Ser41=)

Gene: SLC22A12 (solute carrier family 22 member 12; plus strand). Cytogenetic location: 11q13.1.
Variant type: single nucleotide variant.
Coding change: c.123G>A on transcript NM_144585.4 (MANE Select); coding-DNA position 123, G replaced by A.
Protein change: p.Ser41=; no amino-acid change (serine 41 retained).
Molecular consequence: synonymous variant. On other transcripts: 5 prime UTR variant (1).
Genome position (GRCh38, 1-based): chr11:64,591,679, G>A. VCF-style: chr11-64591679-G-A. GRCh37 (hg19) VCF-style: chr11-64359151-G-A.
Other names: c.123G>A, p.Ser41= (NM_001276326.2, NM_001276327.2); c.-386G>A (NM_153378.3).
Identifiers: ClinVar variation 878231 (VCV000878231.25), dbSNP rs144313367, ClinGen allele CA6076980.